The following is an entry in ClinVar:

ClinVar aggregate classification (germline): Likely benign (1 of 4 stars; one submission).

Allele frequency attached by ClinVar (database versions not stated): gnomAD 0.00001 and 0.00003; TOPMed 0.00001 and 0.00002.
gnomAD v4.1: 2 of 152,500 alleles (0.0013%); highest among the groups gnomAD compares: Non-Finnish European, 0.0029%; no homozygotes.

Submission:

GeneDx
Classification: Likely benign. Last evaluated: 2017-06-02. Review status: criteria provided, single submitter. Criteria: GeneDx Variant Classification (06012015). Collection method: clinical testing. Allele origin: germline. Affected: yes.
Comment: This variant is considered likely benign or benign based on one or more of the following criteria: it is a conservative change, it occurs at a poorly conserved position in the protein, it is predicted to be benign by multiple in silico algorithms, and/or has population frequency not consistent with disease.

NM_002691.4(POLD1):c.-2+16A>G

Gene: POLD1 (DNA polymerase delta 1, catalytic subunit; plus strand). Cytogenetic location: 19q13.33.
Variant type: single nucleotide variant.
Coding change: c.-2+16A>G on transcript NM_002691.4 (MANE Select); 16 bases into the intron after 2 bases upstream of the start codon, A replaced by G.
Molecular consequence: intron variant.
Genome position (GRCh38, 1-based): chr19:50,384,406, A>G. VCF-style: chr19-50384406-A-G. GRCh37 (hg19) VCF-style: chr19-50887663-A-G.
Other names: c.-5+16A>G (NM_001256849.1, LRG_785t1).
Identifiers: ClinVar variation 509944 (VCV000509944.1), dbSNP rs1233048674, ClinGen allele CA633685516.